The following is an entry in ClinVar:

ClinVar aggregate classification (germline): Uncertain significance (1 of 4 stars; one submission).

Conditions:
Inborn genetic diseases. Identifiers: MedGen C0950123, MeSH D030342.

gnomAD v4.1: 7 of 1,614,204 alleles (0.00043%); highest among the groups gnomAD compares: Non-Finnish European, 0.00059%; no homozygotes.

Submission:

Ambry Genetics
Classification: Uncertain significance for Inborn genetic diseases. Last evaluated: 2023-09-27. Review status: criteria provided, single submitter. Criteria: Ambry Variant Classification Scheme 2023. Collection method: clinical testing. Allele origin: germline.
Comment: The p.P560L variant (also known as c.1679C>T), located in coding exon 12 of the EPAS1 gene, results from a C to T substitution at nucleotide position 1679. The proline at codon 560 is replaced by leucine, an amino acid with similar properties. This amino acid position is conserved. In addition, this alteration is predicted to be tolerated by in silico analysis. Since supporting evidence is limited at this time, the clinical significance of this alteration remains unclear.

NM_001430.5(EPAS1):c.1679C>T (p.Pro560Leu)

Gene: EPAS1 (endothelial PAS domain protein 1; plus strand). Cytogenetic location: 2p21.
Variant type: single nucleotide variant.
Coding change: c.1679C>T on transcript NM_001430.5 (MANE Select); coding-DNA position 1679, C replaced by T.
Protein change: p.Pro560Leu; replaces proline 560 with leucine.
Molecular consequence: missense variant.
Genome position (GRCh38, 1-based): chr2:46,380,351, C>T. VCF-style: chr2-46380351-C-T. GRCh37 (hg19) VCF-style: chr2-46607490-C-T.
Other names: short protein forms P560L.
Identifiers: ClinVar variation 1777851 (VCV001777851.2), dbSNP rs868839389, ClinGen allele CA46566573.